The following is an entry in ClinVar:

NM_001270974.2(HYDIN):c.6177C>T (p.Tyr2059=)

Gene: HYDIN (HYDIN axonemal central pair apparatus protein; minus strand). Cytogenetic location: 16q22.2.
Variant type: single nucleotide variant.
Coding change: c.6177C>T on transcript NM_001270974.2 (MANE Select); coding-DNA position 6177, C replaced by T.
Protein change: p.Tyr2059=; no amino-acid change (tyrosine 2059 retained).
Molecular consequence: synonymous variant.
Genome position (GRCh38, 1-based): chr16:70,955,514, G>A on the plus strand (C>T on the coding strand, the complement: HYDIN is on the minus strand). VCF-style: chr16-70955514-G-A. GRCh37 (hg19) VCF-style: chr16-70989417-G-A.
Identifiers: ClinVar variation 2646761 (VCV002646761.24), dbSNP rs2507117712, ClinGen allele CA496247732.

ClinVar aggregate classification (germline): Likely benign (1 of 4 stars; one submission).

Submission:

CeGaT Center for Human Genetics Tuebingen
Classification: Likely benign. Last evaluated: 2023-09-01. Review status: criteria provided, single submitter. Criteria: CeGaT Center For Human Genetics Tuebingen Variant Classification Criteria Version 2. Collection method: clinical testing. Allele origin: germline. Affected: yes. Observed: 3 variant alleles.
Comment: HYDIN: PM2:Supporting, BP4, BP7